The following is an entry in ClinVar:

NM_002187.3(IL12B):c.938G>T (p.Arg313Leu)

Gene: IL12B (interleukin 12B; minus strand). Cytogenetic location: 5q33.3.
Variant type: single nucleotide variant.
Coding change: c.938G>T on transcript NM_002187.3 (MANE Select); coding-DNA position 938, G replaced by T.
Protein change: p.Arg313Leu; replaces arginine 313 with leucine.
Molecular consequence: missense variant.
Genome position (GRCh38, 1-based): chr5:159,316,734, C>A on the plus strand (G>T on the coding strand, the complement: IL12B is on the minus strand). VCF-style: chr5-159316734-C-A. GRCh37 (hg19) VCF-style: chr5-158743742-C-A.
Other names: short protein forms R313L.
Identifiers: ClinVar variation 960736 (VCV000960736.10), dbSNP rs377524637, ClinGen allele CA362029327.

ClinVar aggregate classification (germline): Uncertain significance. Review status: criteria provided, multiple submitters, no conflicts (2 of 4 stars). 2 submissions from 2 submitters: Uncertain significance (2). Last evaluated 2025-08-08.

Conditions:
Inborn genetic diseases. Identifiers: MedGen C0950123, MeSH D030342.
Mendelian susceptibility to mycobacterial diseases due to complete IL12B deficiency. Also called: Immunodeficiency 29; IL12B DEFICIENCY. Identifiers: Orphanet 319558, MedGen C4013948, MONDO:0013954, OMIM 614890.

gnomAD v4.1: 1 of 1,614,084 alleles (0.000062%); highest among the groups gnomAD compares: Non-Finnish European, 0.000085%; no homozygotes.

Submissions (2):

Ambry Genetics
Classification: Uncertain significance for Inborn genetic diseases. Last evaluated: 2025-08-08. Review status: criteria provided, single submitter. Criteria: Ambry Variant Classification Scheme 2023. Collection method: clinical testing. Allele origin: germline.

Labcorp Genetics (formerly Invitae), Labcorp
Classification: Uncertain significance for Mendelian susceptibility to mycobacterial diseases due to complete IL12B deficiency. Last evaluated: 2021-12-24. Review status: criteria provided, single submitter. Criteria: Invitae Variant Classification Sherloc (09022015). Collection method: clinical testing. Allele origin: germline.
Comment: This sequence change replaces arginine, which is basic and polar, with leucine, which is neutral and non-polar, at codon 313 of the IL12B protein (p.Arg313Leu). This variant is not present in population databases (gnomAD no frequency). This variant has not been reported in the literature in individuals affected with IL12B-related conditions. ClinVar contains an entry for this variant (Variation ID: 960736). Algorithms developed to predict the effect of missense changes on protein structure and function are either unavailable or do not agree on the potential impact of this missense change (SIFT: "Tolerated"; PolyPhen-2: "Possibly Damaging"; Align-GVGD: "Class C0"). In summary, the available evidence is currently insufficient to determine the role of this variant in disease. Therefore, it has been classified as a Variant of Uncertain Significance.